The following is an entry in ClinVar:

ClinVar aggregate classification (germline): Uncertain significance (1 of 4 stars; one submission).

Conditions:
Bethlem myopathy 1A. Also called: Bethlem Muscular Dystrophy; Bethlem myopathy 1; MYOPATHY, BENIGN CONGENITAL, WITH CONTRACTURES. Identifiers: Orphanet 610, MedGen CN029274, MONDO:0024530, OMIM 158810.

gnomAD v4.1: 2 of 1,551,350 alleles (0.00013%); highest among the groups gnomAD compares: Non-Finnish European, 0.00017%; no homozygotes.

Submission:

Labcorp Genetics (formerly Invitae), Labcorp
Classification: Uncertain significance for Bethlem myopathy 1A. Last evaluated: 2019-08-16. Review status: criteria provided, single submitter. Criteria: Invitae Variant Classification Sherloc (09022015). Collection method: clinical testing. Allele origin: germline.
Comment: This variant has not been reported in the literature in individuals with COL6A1-related conditions. This sequence change replaces arginine with leucine at codon 222 of the COL6A1 protein (p.Arg222Leu). The arginine residue is moderately conserved and there is a moderate physicochemical difference between arginine and leucine. This variant is not present in population databases (ExAC no frequency). Algorithms developed to predict the effect of missense changes on protein structure and function output the following: SIFT: "Tolerated"; PolyPhen-2: "Not Available"; Align-GVGD: "Class C0". The leucine amino acid residue is found in multiple mammalian species, suggesting that this missense change does not adversely affect protein function. These predictions have not been confirmed by published functional studies and their clinical significance is uncertain. In summary, the available evidence is currently insufficient to determine the role of this variant in disease. Therefore, it has been classified as a Variant of Uncertain Significance.

NM_001848.3(COL6A1):c.665G>T (p.Arg222Leu)

Gene: COL6A1 (collagen type VI alpha 1 chain; plus strand). Cytogenetic location: 21q22.3.
Variant type: single nucleotide variant.
Coding change: c.665G>T on transcript NM_001848.3 (MANE Select); coding-DNA position 665, G replaced by T.
Protein change: p.Arg222Leu; replaces arginine 222 with leucine.
Molecular consequence: missense variant.
Genome position (GRCh38, 1-based): chr21:45,987,020, G>T. VCF-style: chr21-45987020-G-T. GRCh37 (hg19) VCF-style: chr21-47406934-G-T.
Other names: short protein forms R222L.
Identifiers: ClinVar variation 951838 (VCV000951838.10), dbSNP rs780638665, ClinGen allele CA410518823.
Genomic context (GRCh38, chr21:45,987,020, plus strand): 5'-TCATCGCCACGGACCACACGTACCGGCGCAACTTCACGGCGGCTGACTGGGGCCAGAGCC[G>T]CGACGCAGAGGAGGCCATCAGCCAGACCATCGACACCATCGTGGACATGATCGTGAGGCC-3'
Protein context (NP_001839.2, residues 212-232): NFTAADWGQS[Arg222Leu]DAEEAISQTI